The following is an entry in ClinVar:

ClinVar aggregate classification (germline): Uncertain significance. Review status: criteria provided, multiple submitters, no conflicts (2 of 4 stars). 2 submissions from 2 submitters: Uncertain significance (2). Last evaluated 2024-10-31.

Allele frequency attached by ClinVar (database versions not stated): ESP Exome Variant Server 0.00008; TOPMed 0.00009.
gnomAD v4.1: 27 of 1,614,096 alleles (0.0017%); highest among the groups gnomAD compares: East Asian, 0.0067%; no homozygotes.

Submissions (2):

Blueprint Genetics
Classification: Uncertain significance. Last evaluated: 2024-10-31. Review status: criteria provided, single submitter. Criteria: ACMG Guidelines, 2015. Collection method: clinical testing. Allele origin: germline.

Labcorp Genetics (formerly Invitae), Labcorp
Classification: Uncertain significance. Last evaluated: 2022-10-24. Review status: criteria provided, single submitter. Criteria: Invitae Variant Classification Sherloc (09022015). Collection method: clinical testing. Allele origin: germline.
Comment: This sequence change replaces arginine, which is basic and polar, with glutamine, which is neutral and polar, at codon 208 of the PDZD7 protein (p.Arg208Gln). This variant is present in population databases (rs201804536, gnomAD 0.01%). This variant has not been reported in the literature in individuals affected with PDZD7-related conditions. ClinVar contains an entry for this variant (Variation ID: 1007487). Advanced modeling of protein sequence and biophysical properties (such as structural, functional, and spatial information, amino acid conservation, physicochemical variation, residue mobility, and thermodynamic stability) performed at Invitae indicates that this missense variant is not expected to disrupt PDZD7 protein function. In summary, the available evidence is currently insufficient to determine the role of this variant in disease. Therefore, it has been classified as a Variant of Uncertain Significance.

NM_001195263.2(PDZD7):c.623G>A (p.Arg208Gln)

Gene: PDZD7 (PDZ domain containing 7; minus strand). Cytogenetic location: 10q24.31.
Variant type: single nucleotide variant.
Coding change: c.623G>A on transcript NM_001195263.2 (MANE Select); coding-DNA position 623, G replaced by A.
Protein change: p.Arg208Gln; replaces arginine 208 with glutamine.
Molecular consequence: missense variant.
Genome position (GRCh38, 1-based): chr10:101,022,305, C>T on the plus strand (G>A on the coding strand, the complement: PDZD7 is on the minus strand). VCF-style: chr10-101022305-C-T. GRCh37 (hg19) VCF-style: chr10-102782062-C-T.
Other names: c.623G>A, p.Arg208Gln (NM_001351044.2, NM_024895.5); short protein forms R208Q.
Identifiers: ClinVar variation 1007487 (VCV001007487.6), dbSNP rs201804536, ClinGen allele CA5654315.